The following is an entry in ClinVar:

ClinVar aggregate classification (germline): Uncertain significance (1 of 4 stars; one submission).

Conditions:
Breast-ovarian cancer, familial, susceptibility to, 4. Identifiers: Orphanet 145, MedGen C3280345, MONDO:0013669, OMIM 614291.

Submission:

Labcorp Genetics (formerly Invitae), Labcorp
Classification: Uncertain significance for Breast-ovarian cancer, familial, susceptibility to, 4. Last evaluated: 2023-06-14. Review status: criteria provided, single submitter. Criteria: Invitae Variant Classification Sherloc (09022015). Collection method: clinical testing. Allele origin: germline.
Comment: In summary, the available evidence is currently insufficient to determine the role of this variant in disease. Therefore, it has been classified as a Variant of Uncertain Significance. This variant has not been reported in the literature in individuals affected with RAD51D-related conditions. This variant is not present in population databases (gnomAD no frequency). This variant, c.501_502insTGCATC, results in the insertion of 2 amino acid(s) of the RAD51D protein (p.Ile167_Gln168insCysIle), but otherwise preserves the integrity of the reading frame.

NM_002878.4(RAD51D):c.501_502insTGCATC (p.Ile167_Gln168insCysIle)

Genes: RAD51L3-RFFL (RAD51L3-RFFL readthrough; minus strand), RAD51D (RAD51 paralog D; minus strand). Cytogenetic location: 17q12.
Variant type: Insertion.
Coding change: c.501_502insTGCATC on transcript NM_002878.4 (MANE Select); coding-DNA positions 501 to 502, TGCATC inserted.
Protein change: p.Ile167_Gln168insCysIle.
Molecular consequence: inframe insertion. On other transcripts: non-coding transcript variant (3).
Genome position: GRCh38 VCF-style: chr17-35106460-G-GGATGCA. GRCh37 (hg19) VCF-style: chr17-33433479-G-GGATGCA.
Other names: c.561_562insTGCATC, p.Ile187_Gln188insCysIle (NM_001142571.2); c.165_166insTGCATC, p.Ile55_Gln56insCysIle (NM_133629.3).
Identifiers: ClinVar variation 2713126 (VCV002713126.3), dbSNP rs2509135556, ClinGen allele CA2697559828.